The following is an entry in ClinVar:

ClinVar aggregate classification (germline): Pathogenic (1 of 4 stars; one submission).

Conditions:
Familial cancer of breast. Also called: hereditary breast carcinoma; BREAST CANCER, FAMILIAL; Hereditary breast cancer. Identifiers: Orphanet 227535, MedGen C0346153, MONDO:0016419, OMIM 114480. Disease mechanism: loss of function.

Submission:

Labcorp Genetics (formerly Invitae), Labcorp
Classification: Pathogenic for Familial cancer of breast. Last evaluated: 2019-05-29. Review status: criteria provided, single submitter. Criteria: Invitae Variant Classification Sherloc (09022015). Collection method: clinical testing. Allele origin: germline.
Comment: For these reasons, this variant has been classified as Pathogenic. Loss-of-function variants in CHEK2 are known to be pathogenic (PMID: 21876083, 24713400). This variant has not been reported in the literature in individuals with CHEK2-related conditions. This variant is not present in population databases (ExAC no frequency). This sequence change creates a premature translational stop signal (p.Leu63*) in the CHEK2 gene. It is expected to result in an absent or disrupted protein product.

Literature cited by the submitters: PubMed 21876083; PubMed 24713400.

NM_007194.4(CHEK2):c.186del (p.Ser62_Leu63insTer)

Gene: CHEK2 (checkpoint kinase 2; minus strand). Cytogenetic location: 22q12.1.
Variant type: Deletion.
Coding change: c.186del on transcript NM_007194.4 (MANE Select); coding-DNA position 186, one base deleted (C; older notation c.186delC).
Protein change: p.Ser62_Leu63insTer.
Molecular consequence: frameshift variant. On other transcripts: nonsense (3).
Genome position (GRCh38, 1-based): chr22:28,734,536, G deleted on the plus strand (C on the coding strand, the reverse complement: CHEK2 is on the minus strand); the first of 2 consecutive G bases (chr22:28,734,536-28,734,537); deleting either gives the same sequence. VCF-style (leftmost placement, unchanged base first): chr22-28734535-AG-A. GRCh37 (hg19) VCF-style: chr22-29130523-AG-A.
Other names: c.185delC, p.Leu63Terfs (NM_001005735.3, NM_001349956.3, NM_145862.3); c.-593delC (NM_001257387.3).
Identifiers: ClinVar variation 940669 (VCV000940669.8), dbSNP rs2054322016, ClinGen allele CA1139667001.
Genomic context (GRCh38, chr22:28,734,535, plus strand): 5'-GGTCCTCAGGTTCTTGGTCCTCAGGAATAGAATAGAGTTCCTGAGTGGACACTGTCTCTA[AG>A]GAGCTCAGTGTCCCAGAGCTGGAGTGAGAGGACTGGCTGGAGTTTGGCATCGTGCTGGTA-3'